The following is an entry in ClinVar:

ClinVar aggregate classification (germline): Uncertain significance (1 of 4 stars; one submission).

Conditions:
Marfan syndrome (MFS). Also called: MARFAN SYNDROME, TYPE I; Marfan syndrome type 1; Marfan's syndrome; Marfan syndrome, classic; FBN1-Related Marfan Syndrome. Identifiers: Orphanet 284963, Orphanet 558, MedGen C0024796, MONDO:0007947, OMIM 154700.

Submission:

Clinical and Biomedical Sciences, University of Exeter
Classification: Uncertain significance for Marfan syndrome. Last evaluated: 2025-02-28. Review status: criteria provided, single submitter. Criteria: ACMG Guidelines, 2015. Collection method: research. Allele origin: germline. Affected: yes. Study: 100,000 Genomes Project.
Comment: Pseudoexon of 185bp is predicted.

NM_000138.5(FBN1):c.7820-2034A>G

Gene: FBN1 (fibrillin 1; minus strand). Cytogenetic location: 15q21.1.
Variant type: single nucleotide variant.
Coding change: c.7820-2034A>G on transcript NM_000138.5 (MANE Select); 2034 bases into the intron before coding-DNA position 7820, A replaced by G.
Molecular consequence: intron variant.
Genome position (GRCh38, 1-based): chr15:48,417,801, T>C on the plus strand (A>G on the coding strand, the complement: FBN1 is on the minus strand). VCF-style: chr15-48417801-T-C. GRCh37 (hg19) VCF-style: chr15-48709998-T-C.
Other names: c.7820-2034A>G (NM_001406716.1).
Identifiers: ClinVar variation 3769612 (VCV003769612.1).